The following is an entry in ClinVar:

ClinVar aggregate classification (germline): Uncertain significance. Review status: criteria provided, multiple submitters, no conflicts (2 of 4 stars). 2 submissions from 2 submitters: Uncertain significance (2). Last evaluated 2025-06-09.

Conditions:
Epidermodysplasia verruciformis. Identifiers: Orphanet 302, MedGen C0014522, MONDO:0009176.
Inborn genetic diseases. Identifiers: MedGen C0950123, MeSH D030342.

Allele frequency attached by ClinVar (database versions not stated): gnomAD exomes 0.00002 and 0.00004; ExAC 0.00004; ESP Exome Variant Server 0.00008; TOPMed 0.00014; gnomAD 0.00015.

Submissions (2):

Labcorp Genetics (formerly Invitae), Labcorp
Classification: Uncertain significance for Epidermodysplasia verruciformis. Last evaluated: 2025-06-09. Review status: criteria provided, single submitter. Criteria: Invitae Variant Classification Sherloc (09022015). Collection method: clinical testing. Allele origin: germline.
Comment: This sequence change replaces proline, which is neutral and non-polar, with leucine, which is neutral and non-polar, at codon 318 of the TMC6 protein (p.Pro318Leu). This variant is present in population databases (rs374227044, gnomAD 0.04%). This variant has not been reported in the literature in individuals affected with TMC6-related conditions. ClinVar contains an entry for this variant (Variation ID: 948681). An algorithm developed to predict the effect of missense changes on protein structure and function outputs the following: PolyPhen-2: "Benign". The leucine amino acid residue is found in multiple mammalian species, which suggests that this missense change does not adversely affect protein function. In summary, the available evidence is currently insufficient to determine the role of this variant in disease. Therefore, it has been classified as a Variant of Uncertain Significance.

Ambry Genetics
Classification: Uncertain significance for Inborn genetic diseases. Last evaluated: 2024-06-03. Review status: criteria provided, single submitter. Criteria: Ambry Variant Classification Scheme 2023. Collection method: clinical testing. Allele origin: germline.

NM_001127198.5(TMC6):c.953C>T (p.Pro318Leu)

Gene: TMC6 (transmembrane channel like 6; minus strand). Cytogenetic location: 17q25.3.
Variant type: single nucleotide variant.
Coding change: c.953C>T on transcript NM_001127198.5 (MANE Select); coding-DNA position 953, C replaced by T.
Protein change: p.Pro318Leu; replaces proline 318 with leucine.
Molecular consequence: missense variant.
Genome position (GRCh38, 1-based): chr17:78,124,118, G>A on the plus strand (C>T on the coding strand, the complement: TMC6 is on the minus strand). VCF-style: chr17-78124118-G-A. GRCh37 (hg19) VCF-style: chr17-76120199-G-A.
Other names: c.953C>T, p.Pro318Leu (NM_007267.7, NM_001321185.1, NM_001374593.1 and 4 more transcripts); c.953C>T (NM_007267.6); short protein forms P318L.
Identifiers: ClinVar variation 948681 (VCV000948681.9), dbSNP rs374227044, ClinGen allele CA8795925.
Genomic context (GRCh38, chr17:78,124,118, plus strand): 5'-TTGTAGGGCAGGCCACCCACCCTGGGTGTGCACTGGCTGCCATCCAGGGGGCTGCCACAC[G>A]GCTGGTTCAGCGTGGCGTTACTGTAGTGGCCGTAGTACATGACGGTGTGGGTGAAGCAAC-3'
Protein context (NP_001120670.1, residues 308-328): GHYSNATLNQ[Pro318Leu]CGSPLDGSQC